The following is an entry in ClinVar:

NM_005751.5(AKAP9):c.1514C>T (p.Thr505Ile)

Gene: AKAP9 (A-kinase anchoring protein 9; plus strand). Cytogenetic location: 7q21.2.
Variant type: single nucleotide variant.
Coding change: c.1514C>T on transcript NM_005751.5 (MANE Select); coding-DNA position 1514, C replaced by T.
Protein change: p.Thr505Ile; replaces threonine 505 with isoleucine.
Molecular consequence: missense variant.
Genome position (GRCh38, 1-based): chr7:92,001,431, C>T. VCF-style: chr7-92001431-C-T. GRCh37 (hg19) VCF-style: chr7-91630745-C-T.
Other names: c.1514C>T, p.Thr505Ile (NM_147185.3); short protein forms T505I.
Identifiers: ClinVar variation 1718115 (VCV001718115.5), dbSNP rs2484690269, ClinGen allele CA368121970.

ClinVar aggregate classification (germline): Uncertain significance (1 of 4 stars; one submission).

Conditions:
Long QT syndrome (LQTS). Identifiers: MedGen C0023976, MeSH D008133, MONDO:0002442. Disease mechanism: loss of function. Inheritance: Various modes of inheritance.

Submission:

Labcorp Genetics (formerly Invitae), Labcorp
Classification: Uncertain significance for Long QT syndrome. Last evaluated: 2022-08-27. Review status: criteria provided, single submitter. Criteria: Invitae Variant Classification Sherloc (09022015). Collection method: clinical testing. Allele origin: germline.
Comment: In summary, the available evidence is currently insufficient to determine the role of this variant in disease. Therefore, it has been classified as a Variant of Uncertain Significance. Algorithms developed to predict the effect of missense changes on protein structure and function are either unavailable or do not agree on the potential impact of this missense change (SIFT: "Tolerated"; PolyPhen-2: "Possibly Damaging"; Align-GVGD: "Class C0"). This variant has not been reported in the literature in individuals affected with AKAP9-related conditions. This variant is not present in population databases (gnomAD no frequency). This sequence change replaces threonine, which is neutral and polar, with isoleucine, which is neutral and non-polar, at codon 505 of the AKAP9 protein (p.Thr505Ile).